The following is an entry in ClinVar:

NM_001291303.3(FAT4):c.12983G>A (p.Arg4328Lys)

Gene: FAT4 (FAT atypical cadherin 4; plus strand). Cytogenetic location: 4q28.1.
Variant type: single nucleotide variant.
Coding change: c.12983G>A on transcript NM_001291303.3 (MANE Select); coding-DNA position 12983, G replaced by A.
Protein change: p.Arg4328Lys; replaces arginine 4328 with lysine.
Molecular consequence: missense variant.
Genome position (GRCh38, 1-based): chr4:125,487,505, G>A. VCF-style: chr4-125487505-G-A. GRCh37 (hg19) VCF-style: chr4-126408660-G-A.
Other names: c.12983G>A, p.Arg4328Lys (NM_001291285.3); c.12977G>A, p.Arg4326Lys (NM_024582.6); short protein forms R4326K, R4328K.
Identifiers: ClinVar variation 2046659 (VCV002046659.4), dbSNP rs2531044864, ClinGen allele CA358134488.

ClinVar aggregate classification (germline): Uncertain significance (1 of 4 stars; one submission).

Submission:

Labcorp Genetics (formerly Invitae), Labcorp
Classification: Uncertain significance. Last evaluated: 2023-12-19. Review status: criteria provided, single submitter. Criteria: Invitae Variant Classification Sherloc (09022015). Collection method: clinical testing. Allele origin: germline.
Comment: This sequence change replaces arginine, which is basic and polar, with lysine, which is basic and polar, at codon 4326 of the FAT4 protein (p.Arg4326Lys). This variant is not present in population databases (gnomAD no frequency). This variant has not been reported in the literature in individuals affected with FAT4-related conditions. ClinVar contains an entry for this variant (Variation ID: 2046659). Advanced modeling of protein sequence and biophysical properties (such as structural, functional, and spatial information, amino acid conservation, physicochemical variation, residue mobility, and thermodynamic stability) performed at Invitae indicates that this missense variant is not expected to disrupt FAT4 protein function with a negative predictive value of 95%. In summary, the available evidence is currently insufficient to determine the role of this variant in disease. Therefore, it has been classified as a Variant of Uncertain Significance.